The following is an entry in ClinVar:

ClinVar aggregate classification (germline): other (0 of 4 stars; one submission).

Conditions:
Familial colorectal cancer. Identifiers: MedGen CN280943, MONDO:0023113. Disease mechanism: loss of function.

Allele frequency attached by ClinVar (database versions not stated): gnomAD 0.00063.
gnomAD v4.1: 1,744 of 683,690 alleles (0.26%); highest among the groups gnomAD compares: South Asian, 0.65%; 42 homozygotes.

Submission:

Systems Biology Platform Zhejiang California International NanoSystems Institute
Classification: other for Familial colorectal cancer. Review status: no assertion criteria provided. Collection method: not provided. Allele origin: unknown.
ClinVar note: Converted during submission from cancer to other.

NM_000038.6(APC):c.934-119C>G

Gene: APC (APC regulator of WNT signaling pathway; plus strand). Cytogenetic location: 5q22.2.
Variant type: single nucleotide variant.
Coding change: c.934-119C>G on transcript NM_000038.6 (MANE Select); 119 bases into the intron before coding-DNA position 934, C replaced by G.
Molecular consequence: intron variant.
Genome position (GRCh38, 1-based): chr5:112,818,847, C>G. VCF-style: chr5-112818847-C-G. GRCh37 (hg19) VCF-style: chr5-112154544-C-G.
Other names: c.934-119C>G (NM_001354895.2, NM_001127510.3, NM_001354896.2); c.964-119C>G (NM_001354897.2); c.964-422C>G (NM_001354902.2); c.880-119C>G (NM_001127511.3); c.859-119C>G (NM_001354898.2); c.859-422C>G (NM_001354904.2); c.85-119C>G (NM_001354906.2); c.934-422C>G (NM_001354903.2); and 3 more.
Identifiers: ClinVar variation 83123 (VCV000083123.2), dbSNP rs78602351, ClinGen allele CA015836.